The following is an entry in ClinVar:

NM_005477.3(HCN4):c.1732C>T (p.Arg578Trp)

Gene: HCN4 (hyperpolarization activated cyclic nucleotide gated potassium channel 4; minus strand). Cytogenetic location: 15q24.1.
Variant type: single nucleotide variant.
Coding change: c.1732C>T on transcript NM_005477.3 (MANE Select); coding-DNA position 1732, C replaced by T.
Protein change: p.Arg578Trp; replaces arginine 578 with tryptophan.
Molecular consequence: missense variant.
Genome position (GRCh38, 1-based): chr15:73,325,303, G>A on the plus strand (C>T on the coding strand, the complement: HCN4 is on the minus strand). VCF-style: chr15-73325303-G-A. GRCh37 (hg19) VCF-style: chr15-73617644-G-A.
Other names: short protein forms R578W.
Identifiers: ClinVar variation 222647 (VCV000222647.11), dbSNP rs752953709, ClinGen allele CA070479.

ClinVar aggregate classification (germline): Uncertain significance. Review status: criteria provided, multiple submitters, no conflicts (2 of 4 stars). 4 submissions from 4 submitters: Uncertain significance (4). Last evaluated 2026-05-14.

Conditions:
Brugada syndrome 8 (BRGDA8). Identifiers: Orphanet 130, MedGen C2751083, MONDO:0013148, OMIM 613123.
Cardiovascular phenotype. Identifiers: MedGen CN230736.

Allele frequency attached by ClinVar (database versions not stated): TOPMed below 0.00001; gnomAD exomes 0.00001 and 0.00002; ExAC 0.00002.
gnomAD v4.1: 14 of 1,613,690 alleles (0.00087%); highest among the groups gnomAD compares: Middle Eastern, 0.017%; no homozygotes.

Submissions (4):

Ambry Genetics
Classification: Uncertain significance for Cardiovascular phenotype. Last evaluated: 2026-05-14. Review status: criteria provided, single submitter. Criteria: Ambry Variant Classification Scheme 2023. Collection method: clinical testing. Allele origin: germline.
Comment: The p.R578W variant (also known as c.1732C>T), located in coding exon 5 of the HCN4 gene, results from a C to T substitution at nucleotide position 1732. The arginine at codon 578 is replaced by tryptophan, an amino acid with dissimilar properties. This amino acid position is conserved. In addition, this alteration is predicted to be deleterious by in silico analysis. Based on the available evidence, the clinical significance of this variant remains unclear.

Labcorp Genetics (formerly Invitae), Labcorp
Classification: Uncertain significance for Brugada syndrome 8. Last evaluated: 2024-11-04. Review status: criteria provided, single submitter. Criteria: Invitae Variant Classification Sherloc (09022015). Collection method: clinical testing. Allele origin: germline.
Comment: This sequence change replaces arginine, which is basic and polar, with tryptophan, which is neutral and slightly polar, at codon 578 of the HCN4 protein (p.Arg578Trp). This variant is present in population databases (rs752953709, gnomAD 0.006%). This variant has not been reported in the literature in individuals affected with HCN4-related conditions. ClinVar contains an entry for this variant (Variation ID: 222647). Invitae Evidence Modeling of protein sequence and biophysical properties (such as structural, functional, and spatial information, amino acid conservation, physicochemical variation, residue mobility, and thermodynamic stability) indicates that this missense variant is expected to disrupt HCN4 protein function with a positive predictive value of 95%. In summary, the available evidence is currently insufficient to determine the role of this variant in disease. Therefore, it has been classified as a Variant of Uncertain Significance.

Blueprint Genetics
Classification: Uncertain significance. Last evaluated: 2024-10-16. Review status: criteria provided, single submitter. Criteria: ACMG Guidelines, 2015. Collection method: clinical testing. Allele origin: germline.

GeneDx
Classification: Uncertain significance. Last evaluated: 2024-05-29. Review status: criteria provided, single submitter. Criteria: GeneDx Variant Classification Process June 2021. Collection method: clinical testing. Allele origin: germline. Affected: yes.
Comment: Not observed at significant frequency in large population cohorts (gnomAD); In silico analysis supports that this missense variant has a deleterious effect on protein structure/function; Has not been previously published as pathogenic or benign to our knowledge